The following is an entry in ClinVar:

ClinVar aggregate classification (germline): Uncertain significance (1 of 4 stars; one submission).

Conditions:
Hereditary pancreatitis (PCTT). Also called: Hereditary chronic pancreatitis; PRSS1-Related Hereditary Pancreatitis. Identifiers: Orphanet 676, MedGen C0238339, MONDO:0008185, OMIM 167800.

gnomAD v4.1: 1 of 1,613,420 alleles (0.000062%); highest among the groups gnomAD compares: African/African-American, 0.0013%; no homozygotes.

Submission:

Ambry Genetics
Classification: Uncertain significance for Hereditary pancreatitis. Last evaluated: 2025-07-22. Review status: criteria provided, single submitter. Criteria: Ambry Variant Classification Scheme 2023. Collection method: clinical testing. Allele origin: germline.
Comment: The p.K2R variant (also known as c.5A>G), located in coding exon 1 of the SPINK1 gene, results from an A to G substitution at nucleotide position 5. The lysine at codon 2 is replaced by arginine, an amino acid with highly similar properties. This amino acid position is highly conserved in available vertebrate species. In addition, the in silico prediction for this alteration is inconclusive. Based on the available evidence, the clinical significance of this variant remains unclear.

NM_001379610.1(SPINK1):c.5A>G (p.Lys2Arg)

Gene: SPINK1 (serine peptidase inhibitor Kazal type 1; minus strand). Cytogenetic location: 5q32.
Variant type: single nucleotide variant.
Coding change: c.5A>G on transcript NM_001379610.1 (MANE Select); coding-DNA position 5, A replaced by G.
Protein change: p.Lys2Arg; replaces lysine 2 with arginine.
Molecular consequence: missense variant.
Genome position (GRCh38, 1-based): chr5:147,831,573, T>C on the plus strand (A>G on the coding strand, the complement: SPINK1 is on the minus strand). VCF-style: chr5-147831573-T-C. GRCh37 (hg19) VCF-style: chr5-147211136-T-C.
Other names: c.5A>G, p.Lys2Arg (NM_001354966.2, NM_003122.5); short protein forms K2R.
Identifiers: ClinVar variation 4173713 (VCV004173713.1).